The following is an entry in ClinVar:

NM_207122.2(EXT2):c.744-1G>T

Gene: EXT2 (exostosin glycosyltransferase 2; plus strand). Cytogenetic location: 11p11.2.
Variant type: single nucleotide variant.
Coding change: c.744-1G>T on transcript NM_207122.2 (MANE Select); the canonical splice acceptor site of the intron before coding-DNA position 744, G replaced by T.
Molecular consequence: splice acceptor variant.
Genome position (GRCh38, 1-based): chr11:44,124,788, G>T. VCF-style: chr11-44124788-G-T. GRCh37 (hg19) VCF-style: chr11-44146338-G-T.
Other names: c.744-1G>T (NM_001389630.1, NM_001178083.3, NM_001389628.1); c.843-1G>T (NM_000401.3).
Identifiers: ClinVar variation 4709821 (VCV004709821.1).

ClinVar aggregate classification (germline): Pathogenic (1 of 4 stars; one submission).

Conditions:
Exostoses, multiple, type 2 (EXT2). Also called: Hereditary Multiple Osteochondromatosis, Type II; EXOSTOSES, MULTIPLE, TYPE II. Identifiers: Orphanet 321, MedGen C1851413, MONDO:0007586, OMIM 133701.

Submission:

Labcorp Genetics (formerly Invitae), Labcorp
Classification: Pathogenic for Exostoses, multiple, type 2. Last evaluated: 2025-11-27. Review status: criteria provided, single submitter. Criteria: Invitae Variant Classification Sherloc (09022015). Collection method: clinical testing. Allele origin: germline.
Comment: This sequence change affects an acceptor splice site in intron 4 of the EXT2 gene. It is expected to disrupt RNA splicing. Variants that disrupt the donor or acceptor splice site typically lead to a loss of protein function (PMID: 16199547), and loss-of-function variants in EXT2 are known to be pathogenic (PMID: 10679937, 19810120). This variant is not present in population databases (gnomAD no frequency). Disruption of this splice site has been observed in individual(s) with multiple osteochondromatosis (PMID: 28690282). Algorithms developed to predict the effect of sequence changes on RNA splicing suggest that this variant may disrupt the consensus splice site. For these reasons, this variant has been classified as Pathogenic.

Literature cited by the submitters: PubMed 16199547; PubMed 10679937; PubMed 19810120; PubMed 28690282.